The following is an entry in ClinVar:

NM_003579.4(RAD54L):c.2233G>T (p.Gly745Cys)

Genes: LRRC41 (leucine rich repeat containing 41; minus strand), RAD54L (RAD54 like; plus strand). Cytogenetic location: 1p34.1.
Variant type: single nucleotide variant.
Coding change: c.2233G>T on transcript NM_003579.4 (MANE Select); coding-DNA position 2233, G replaced by T.
Protein change: p.Gly745Cys; replaces glycine 745 with cysteine.
Molecular consequence: missense variant. On other transcripts: 3 prime UTR variant (1).
Genome position (GRCh38, 1-based): chr1:46,278,271, G>T. VCF-style: chr1-46278271-G-T. GRCh37 (hg19) VCF-style: chr1-46743943-G-T.
Other names: c.*594C>A (NM_006369.5); c.2233G>T, p.Gly745Cys (NM_001142548.2); c.1693G>T, p.Gly565Cys (NM_001370766.1); short protein forms G745C, G565C.
Identifiers: ClinVar variation 2625161 (VCV002625161.2), dbSNP rs1175728937, ClinGen allele CA340191528.

ClinVar aggregate classification (germline): Uncertain significance (1 of 4 stars; one submission).

Submission:

Ambry Genetics
Classification: Uncertain significance. Last evaluated: 2023-08-24. Review status: criteria provided, single submitter. Criteria: Ambry Variant Classification Scheme 2023. Collection method: clinical testing. Allele origin: germline.
Comment: The p.G745C variant (also known as c.2233G>T), located in coding exon 18 of the RAD54L gene, results from a G to T substitution at nucleotide position 2233. The glycine at codon 745 is replaced by cysteine, an amino acid with highly dissimilar properties. This amino acid position is conserved. In addition, this alteration is predicted to be deleterious by in silico analysis. Since supporting evidence is limited at this time, the clinical significance of this alteration remains unclear.